The following is an entry in ClinVar:

ClinVar aggregate classification (germline): Uncertain significance (1 of 4 stars; one submission).

Allele frequency attached by ClinVar (database versions not stated): gnomAD exomes below 0.00001.
gnomAD v4.1: 1 of 1,600,780 alleles (0.000062%); highest among the groups gnomAD compares: Non-Finnish European, 0.000085%; no homozygotes.

Submission:

Labcorp Genetics (formerly Invitae), Labcorp
Classification: Uncertain significance. Last evaluated: 2022-01-11. Review status: criteria provided, single submitter. Criteria: Invitae Variant Classification Sherloc (09022015). Collection method: clinical testing. Allele origin: germline.
Comment: In summary, the available evidence is currently insufficient to determine the role of this variant in disease. Therefore, it has been classified as a Variant of Uncertain Significance. Algorithms developed to predict the effect of missense changes on protein structure and function are either unavailable or do not agree on the potential impact of this missense change (SIFT: "Tolerated"; PolyPhen-2: "Probably Damaging"; Align-GVGD: "Class C0"). This variant has not been reported in the literature in individuals affected with TONSL-related conditions. This variant is present in population databases (rs781807417, gnomAD 0.001%). This sequence change replaces proline, which is neutral and non-polar, with alanine, which is neutral and non-polar, at codon 1061 of the TONSL protein (p.Pro1061Ala).

NM_013432.5(TONSL):c.3181C>G (p.Pro1061Ala)

Gene: TONSL (tonsoku like, DNA repair protein; minus strand). Cytogenetic location: 8q24.3.
Variant type: single nucleotide variant.
Coding change: c.3181C>G on transcript NM_013432.5 (MANE Select); coding-DNA position 3181, C replaced by G.
Protein change: p.Pro1061Ala; replaces proline 1061 with alanine.
Molecular consequence: missense variant.
Genome position (GRCh38, 1-based): chr8:144,434,184, G>C on the plus strand (C>G on the coding strand, the complement: TONSL is on the minus strand). VCF-style: chr8-144434184-G-C. GRCh37 (hg19) VCF-style: chr8-145659567-G-C.
Other names: short protein forms P1061A.
Identifiers: ClinVar variation 1512043 (VCV001512043.8), dbSNP rs781807417, ClinGen allele CA4942577.